The following is an entry in ClinVar:

ClinVar aggregate classification (germline): Uncertain significance. Review status: criteria provided, multiple submitters, no conflicts (2 of 4 stars). 2 submissions from 2 submitters: Uncertain significance (2). Last evaluated 2022-10-12.

Conditions:
Hereditary cancer-predisposing syndrome. Also called: Hereditary neoplastic syndrome; Neoplastic Syndromes, Hereditary; Hereditary Cancer Syndrome; Tumor predisposition. Identifiers: Orphanet 140162, MedGen C0027672, MeSH D009386, MONDO:0015356.

Submissions (2):

Ambry Genetics
Classification: Uncertain significance for Hereditary cancer-predisposing syndrome. Last evaluated: 2022-10-12. Review status: criteria provided, single submitter. Criteria: Ambry Variant Classification Scheme 2023. Collection method: clinical testing. Allele origin: germline.
Comment: The p.H791R variant (also known as c.2372A>G), located in coding exon 17 of the MSH3 gene, results from an A to G substitution at nucleotide position 2372. The histidine at codon 791 is replaced by arginine, an amino acid with highly similar properties. This amino acid position is conserved. In addition, this alteration is predicted to be tolerated by in silico analysis. Since supporting evidence is limited at this time, the clinical significance of this alteration remains unclear.

Labcorp Genetics (formerly Invitae), Labcorp
Classification: Uncertain significance. Last evaluated: 2021-05-04. Review status: criteria provided, single submitter. Criteria: Invitae Variant Classification Sherloc (09022015). Collection method: clinical testing. Allele origin: germline.
Comment: Algorithms developed to predict the effect of missense changes on protein structure and function output the following: SIFT: "Tolerated"; PolyPhen-2: "Benign"; Align-GVGD: "Class C0". The arginine amino acid residue is found in multiple mammalian species, suggesting that this missense change does not adversely affect protein function. These predictions have not been confirmed by published functional studies and their clinical significance is uncertain. This sequence change replaces histidine with arginine at codon 791 of the MSH3 protein (p.His791Arg). The histidine residue is moderately conserved and there is a small physicochemical difference between histidine and arginine. This variant is not present in population databases (ExAC no frequency). This variant has not been reported in the literature in individuals with MSH3-related conditions. In summary, the available evidence is currently insufficient to determine the role of this variant in disease. Therefore, it has been classified as a Variant of Uncertain Significance.

NM_002439.5(MSH3):c.2372A>G (p.His791Arg)

Gene: MSH3 (mutS homolog 3; plus strand). Cytogenetic location: 5q14.1.
Variant type: single nucleotide variant.
Coding change: c.2372A>G on transcript NM_002439.5 (MANE Select); coding-DNA position 2372, A replaced by G.
Protein change: p.His791Arg; replaces histidine 791 with arginine.
Molecular consequence: missense variant.
Genome position (GRCh38, 1-based): chr5:80,778,773, A>G. VCF-style: chr5-80778773-A-G. GRCh37 (hg19) VCF-style: chr5-80074592-A-G.
Other names: short protein forms H791R.
Identifiers: ClinVar variation 1488738 (VCV001488738.10), dbSNP rs2112007804, ClinGen allele CA360281809.